The following is an entry in ClinVar:

ClinVar aggregate classification (germline): Uncertain significance. Review status: criteria provided, multiple submitters, no conflicts (2 of 4 stars). 2 submissions from 2 submitters: Uncertain significance (2). Last evaluated 2025-09-26.

Allele frequency attached by ClinVar (database versions not stated): gnomAD 0.00001; gnomAD exomes 0.00001; TOPMed 0.00001.
gnomAD v4.1: 11 of 1,613,740 alleles (0.00068%); highest among the groups gnomAD compares: Non-Finnish European, 0.00085%; no homozygotes.

Submissions (2):

Ambry Genetics
Classification: Uncertain significance. Last evaluated: 2025-09-26. Review status: criteria provided, single submitter. Criteria: Ambry Variant Classification Scheme 2023. Collection method: clinical testing. Allele origin: germline.

Labcorp Genetics (formerly Invitae), Labcorp
Classification: Uncertain significance. Last evaluated: 2021-11-01. Review status: criteria provided, single submitter. Criteria: Invitae Variant Classification Sherloc (09022015). Collection method: clinical testing. Allele origin: germline.
Comment: In summary, the available evidence is currently insufficient to determine the role of this variant in disease. Therefore, it has been classified as a Variant of Uncertain Significance. Algorithms developed to predict the effect of missense changes on protein structure and function (SIFT, PolyPhen-2, Align-GVGD) all suggest that this variant is likely to be disruptive. This variant has not been reported in the literature in individuals affected with HMCN1-related conditions. This variant is not present in population databases (gnomAD no frequency). This sequence change replaces proline, which is neutral and non-polar, with leucine, which is neutral and non-polar, at codon 5504 of the HMCN1 protein (p.Pro5504Leu).

NM_031935.3(HMCN1):c.16511C>T (p.Pro5504Leu)

Genes: HMCN1 (hemicentin 1; plus strand), LOC126805953 (P300/CBP strongly-dependent group 1 enhancer GRCh37_chr1:186156636-186157835; plus strand). Cytogenetic location: 1q31.1.
Variant type: single nucleotide variant.
Coding change: c.16511C>T on transcript NM_031935.3 (MANE Select); coding-DNA position 16511, C replaced by T.
Protein change: p.Pro5504Leu; replaces proline 5504 with leucine.
Molecular consequence: missense variant.
Genome position (GRCh38, 1-based): chr1:186,187,979, C>T. VCF-style: chr1-186187979-C-T. GRCh37 (hg19) VCF-style: chr1-186157111-C-T.
Other names: c.16511C>T (NM_031935.2); short protein forms P5504L.
Identifiers: ClinVar variation 1461635 (VCV001461635.7), dbSNP rs1212312749, ClinGen allele CA343904418.